The following is an entry in ClinVar:

ClinVar aggregate classification (germline): Uncertain significance (1 of 4 stars; one submission).

Allele frequency attached by ClinVar (database versions not stated): gnomAD exomes below 0.00001.
gnomAD v4.1: 1 of 1,613,038 alleles (0.000062%); highest among the groups gnomAD compares: Non-Finnish European, 0.000085%; no homozygotes.

Submission:

GeneDx
Classification: Uncertain significance. Last evaluated: 2022-01-07. Review status: criteria provided, single submitter. Criteria: GeneDx Variant Classification Process June 2021. Collection method: clinical testing. Allele origin: germline. Affected: yes.
Comment: In silico analysis supports that this missense variant has a deleterious effect on protein structure/function; Has not been previously published as pathogenic or benign to our knowledge

NM_005052.3(RAC3):c.203G>A (p.Arg68Gln)

Gene: RAC3 (Rac family small GTPase 3; plus strand). Cytogenetic location: 17q25.3.
Variant type: single nucleotide variant.
Coding change: c.203G>A on transcript NM_005052.3 (MANE Select); coding-DNA position 203, G replaced by A.
Protein change: p.Arg68Gln; replaces arginine 68 with glutamine.
Molecular consequence: missense variant.
Genome position (GRCh38, 1-based): chr17:82,032,806, G>A. VCF-style: chr17-82032806-G-A. GRCh37 (hg19) VCF-style: chr17-79990682-G-A.
Other names: c.203G>A, p.Arg68Gln (NM_001316307.2); short protein forms R68Q.
Identifiers: ClinVar variation 1695791 (VCV001695791.2), dbSNP rs1322924150, ClinGen allele CA401553034.